The following is an entry in ClinVar:

ClinVar aggregate classification (germline): Uncertain significance (1 of 4 stars; one submission).

Conditions:
Early Myoclonic Encephalopathy. Identifiers: MedGen C0270855.

Allele frequency attached by ClinVar (database versions not stated): TOPMed 0.00003; gnomAD 0.00002; gnomAD exomes 0.00001 and 0.00003; ExAC 0.00002.
gnomAD v4.1: 13 of 1,609,160 alleles (0.00081%); highest among the groups gnomAD compares: East Asian, 0.0089%; no homozygotes.

Submission:

Labcorp Genetics (formerly Invitae), Labcorp
Classification: Uncertain significance for Early Myoclonic Encephalopathy. Last evaluated: 2025-12-13. Review status: criteria provided, single submitter. Criteria: Invitae Variant Classification Sherloc (09022015). Collection method: clinical testing. Allele origin: germline.
Comment: This sequence change replaces isoleucine, which is neutral and non-polar, with threonine, which is neutral and polar, at codon 1594 of the JMJD1C protein (p.Ile1594Thr). This variant is present in population databases (rs765449355, gnomAD 0.03%). This variant has not been reported in the literature in individuals affected with JMJD1C-related conditions. ClinVar contains an entry for this variant (Variation ID: 958785). Invitae Evidence Modeling of protein sequence and biophysical properties (such as structural, functional, and spatial information, amino acid conservation, physicochemical variation, residue mobility, and thermodynamic stability) indicates that this missense variant is not expected to disrupt JMJD1C protein function with a negative predictive value of 80%. In summary, the available evidence is currently insufficient to determine the role of this variant in disease. Therefore, it has been classified as a Variant of Uncertain Significance.

NM_032776.3(JMJD1C):c.4781T>C (p.Ile1594Thr)

Gene: JMJD1C (jumonji domain containing 1C; minus strand). Cytogenetic location: 10q21.3.
Variant type: single nucleotide variant.
Coding change: c.4781T>C on transcript NM_032776.3 (MANE Select); coding-DNA position 4781, T replaced by C.
Protein change: p.Ile1594Thr; replaces isoleucine 1594 with threonine.
Molecular consequence: missense variant. On other transcripts: non-coding transcript variant (1).
Genome position (GRCh38, 1-based): chr10:63,206,888, A>G on the plus strand (T>C on the coding strand, the complement: JMJD1C is on the minus strand). VCF-style: chr10-63206888-A-G. GRCh37 (hg19) VCF-style: chr10-64966648-A-G.
Other names: c.4235T>C, p.Ile1412Thr (NM_001282948.2, NM_001318154.2); c.3917T>C, p.Ile1306Thr (NM_001318153.2); c.4667T>C, p.Ile1556Thr (NM_001322252.2); c.4124T>C, p.Ile1375Thr (NM_001322254.2, NM_001322258.2); short protein forms I1375T, I1412T, I1556T, I1306T, I1594T.
Identifiers: ClinVar variation 958785 (VCV000958785.9), dbSNP rs765449355, ClinGen allele CA5518213.